The following is an entry in ClinVar:

NM_000038.6(APC):c.423-1511C>A

Gene: APC (APC regulator of WNT signaling pathway; plus strand). Cytogenetic location: 5q22.2.
Variant type: single nucleotide variant.
Coding change: c.423-1511C>A on transcript NM_000038.6 (MANE Select); 1511 bases into the intron before coding-DNA position 423, C replaced by A.
Molecular consequence: intron variant.
Genome position (GRCh38, 1-based): chr5:112,774,118, C>A. VCF-style: chr5-112774118-C-A. GRCh37 (hg19) VCF-style: chr5-112109815-C-A.
Other names: c.423-1511C>A (NM_001354895.2, NM_001127510.3, NM_001354896.2 and 2 more transcripts); c.453-1511C>A (NM_001354897.2, NM_001354902.2, NM_001127511.3); c.348-1511C>A (NM_001354898.2, NM_001354904.2); c.-613-1511C>A (NM_001354906.2); c.246-1511C>A (NM_001354900.2, NM_001354901.2, NM_001354905.2).
Identifiers: ClinVar variation 82904 (VCV000082904.2), dbSNP rs79435359, ClinGen allele CA009153.

ClinVar aggregate classification (germline): other (0 of 4 stars; one submission).

Conditions:
Familial colorectal cancer. Identifiers: MedGen CN280943, MONDO:0023113. Disease mechanism: loss of function.

Allele frequency attached by ClinVar (database versions not stated): TOPMed 0.00001.

Submission:

Systems Biology Platform Zhejiang California International NanoSystems Institute
Classification: other for Familial colorectal cancer. Review status: no assertion criteria provided. Collection method: not provided. Allele origin: unknown.
ClinVar note: Converted during submission from cancer to other.